The following is an entry in ClinVar:

NM_000169.3(GLA):c.38C>T (p.Ala13Val)

Genes: GLA (galactosidase alpha; minus strand), RPL36A-HNRNPH2 (RPL36A-HNRNPH2 readthrough; plus strand). Cytogenetic location: Xq22.1.
Variant type: single nucleotide variant.
Coding change: c.38C>T on transcript NM_000169.3 (MANE Select); coding-DNA position 38, C replaced by T.
Protein change: p.Ala13Val; replaces alanine 13 with valine.
Molecular consequence: missense variant. On other transcripts: non-coding transcript variant (3), intron variant (2).
Genome position (GRCh38, 1-based): chrX:101,407,866, G>A on the plus strand (C>T on the coding strand, the complement: GLA is on the minus strand). VCF-style: chrX-101407866-G-A. GRCh37 (hg19) VCF-style: chrX-100662854-G-A.
Other names: c.38C>T, p.Ala13Val (NM_001406747.1, NM_001406748.1, NM_001406749.1); c.301-4070G>A (NM_001199973.2); c.178-4070G>A (NM_001199974.2); short protein forms A13V.
Identifiers: ClinVar variation 4087612 (VCV004087612.2), dbSNP rs869312297.

ClinVar aggregate classification (germline): Uncertain significance (1 of 4 stars; one submission).

Conditions:
Fabry disease. Also called: ALPHA-GALACTOSIDASE A DEFICIENCY; ANDERSON-FABRY DISEASE; CERAMIDE TRIHEXOSIDASE DEFICIENCY; GLA DEFICIENCY; HEREDITARY DYSTOPIC LIPIDOSIS; Angiokeratoma corporis diffusum. Identifiers: Orphanet 324, MedGen C0002986, MONDO:0010526, OMIM 301500, HP:0001071. Disease mechanism: Fabry disease is due to inactivating mutations in the X-linked GLA gene resulting in deficiency of the enzyme Alpha Galactosidase-A., loss of function.

Submission:

Genomenon, Inc
Classification: Uncertain significance for Fabry disease. Last evaluated: 2026-09-08. Review status: criteria provided, single submitter. Criteria: Genomenon Sequence Variant Interpretation Standards - Updated. Collection method: curation. Allele origin: germline. Affected: no.
Comment: GLA p.Ala13Val (c.38C>T) is a missense variant that changes the amino acid at codon 13 from Alanine to Valine. This variant has been reported in the published literature (PMID:34118938). It is absent or not present at a significant frequency in gnomAD. In silico models predict that this variant is not damaging. In conclusion, we classify GLA p.Ala13Val (c.38C>T) as a variant of uncertain significance.

Literature cited by the submitters: PubMed 34118938.